The following is an entry in ClinVar:

ClinVar aggregate classification (germline): Pathogenic (0 of 4 stars; one submission).

Conditions:
Autosomal recessive nonsyndromic hearing loss 9. Also called: NEUROSENSORY NONSYNDROMIC RECESSIVE DEAFNESS 9; OTOF-Related Hearing Loss; Deafness, autosomal recessive 9; AUDITORY NEUROPATHY, AUTOSOMAL RECESSIVE, 1, TEMPERATURE-SENSITIVE. Identifiers: Orphanet 90636, MedGen C1832828, MONDO:0010986, OMIM 601071.

Submission:

Diagnosis and Treatment Center of Genetic Hearing Loss, Eye & ENT Hospital of Fudan University
Classification: Pathogenic for Autosomal recessive nonsyndromic hearing loss 9. Last evaluated: 2026-02-04. Review status: no assertion criteria provided. Collection method: clinical testing. Allele origin: germline. Inheritance: Autosomal recessive inheritance. Affected: yes.
Comment: The c.5192+1G>C splice donor variant in OTOF is predicted to disrupt splicing (PVS1). It is absent from population databases (PM2_Supporting). It was detected in trans with pathogenic c.5169_5170delCA (PM3).

NM_194248.3(OTOF):c.5192+1G>C

Genes: OTOF (otoferlin; minus strand), LOC112840921 (BRD4-independent group 4 enhancer GRCh37_chr2:26685720-26686919; plus strand). Cytogenetic location: 2p23.3.
Variant type: single nucleotide variant.
Coding change: c.5192+1G>C on transcript NM_194248.3 (MANE Select); the canonical splice donor site of the intron after coding-DNA position 5192, G replaced by C.
Molecular consequence: splice donor variant.
Genome position (GRCh38, 1-based): chr2:26,463,482, C>G on the plus strand (G>C on the coding strand, the complement: OTOF is on the minus strand). VCF-style: chr2-26463482-C-G. GRCh37 (hg19) VCF-style: chr2-26686350-C-G.
Other names: c.5192+1G>C (NM_001287489.2); c.2891+1G>C (NM_194323.3, NM_004802.4); c.3122+1G>C (NM_194322.3).
Identifiers: ClinVar variation 4879910 (VCV004879910.1).
Genomic context (GRCh38, chr2:26,463,482, plus strand): 5'-CGTGGTGGGAAGTGGGTGGGGTGGGCCGGAAGGGAGTAGCGCTGGGCCCCAGGCCGCTCA[C>G]TTCTTGGGCTTCCGAGGTGAGATGTCCAGAGGCGTCCCAGGGGCTGGCATGTCCATGGGG-3'